The following is an entry in ClinVar:

NM_032482.3(DOT1L):c.1709A>G (p.Glu570Gly)

Genes: DOT1L (DOT1 like histone lysine methyltransferase; plus strand), DOT1L-AS1 (DOT1L antisense RNA 1; minus strand). Cytogenetic location: 19p13.3.
Variant type: single nucleotide variant.
Coding change: c.1709A>G on transcript NM_032482.3 (MANE Select); coding-DNA position 1709, A replaced by G.
Protein change: p.Glu570Gly; replaces glutamic acid 570 with glycine.
Molecular consequence: missense variant.
Genome position (GRCh38, 1-based): chr19:2,213,898, A>G. VCF-style: chr19-2213898-A-G. GRCh37 (hg19) VCF-style: chr19-2213897-A-G.
Other names: c.1709A>G, p.Glu570Gly (NM_001411141.1); short protein forms E570G.
Identifiers: ClinVar variation 4976444 (VCV004976444.1).

ClinVar aggregate classification (germline): Uncertain significance (1 of 4 stars; one submission).

Submission:

GeneDx
Classification: Uncertain significance. Last evaluated: 2026-02-08. Review status: criteria provided, single submitter. Criteria: GeneDx Variant Classification Process June 2021. Collection method: clinical testing. Allele origin: germline.
Comment: Not observed at significant frequency in large population cohorts (gnomAD); In silico analysis supports that this missense variant has a deleterious effect on protein structure/function; Has not been previously published as pathogenic or benign to our knowledge